The following is an entry in ClinVar:

NM_001458.5(FLNC):c.766C>T (p.Gln256Ter)

Gene: FLNC (filamin C; plus strand). Cytogenetic location: 7q32.1.
Variant type: single nucleotide variant.
Coding change: c.766C>T on transcript NM_001458.5 (MANE Select); coding-DNA position 766, C replaced by T.
Protein change: p.Gln256Ter; replaces glutamine 256 with a stop codon.
Molecular consequence: nonsense.
Genome position (GRCh38, 1-based): chr7:128,837,464, C>T. VCF-style: chr7-128837464-C-T. GRCh37 (hg19) VCF-style: chr7-128477518-C-T.
Other names: c.766C>T, p.Gln256Ter (NM_001127487.2); short protein forms Q256*.
Identifiers: ClinVar variation 4857471 (VCV004857471.1).
Genomic context (GRCh38, chr7:128,837,464, plus strand): 5'-GCCCCTGAGGAGATTGTGGACCCCAACGTGGATGAGCATTCTGTTATGACCTACCTGTCC[C>T]AGTTCCCCAAGGCCAAGCTCAAACCTGGTGCCCCTGTTCGATCCAAGCAGCTGAACCCCA-3'

ClinVar aggregate classification (germline): Pathogenic (1 of 4 stars; one submission).

Conditions:
Hypertrophic cardiomyopathy 26. Also called: Cardiomyopathy, familial hypertrophic, 26. Identifiers: Orphanet 75249, MedGen C4310749, MONDO:0014883, OMIM 617047.

Submission:

Institute of Human Genetics, University of Leipzig Medical Center
Classification: Pathogenic for Hypertrophic cardiomyopathy 26. Last evaluated: 2026-04-07. Review status: criteria provided, single submitter. Criteria: ACMG Guidelines, 2015. Collection method: clinical testing. Allele origin: maternal. Inheritance: Autosomal dominant inheritance. Affected: yes.
Comment: Criteria applied: PVS1,PM2